The following is an entry in ClinVar:

ClinVar aggregate classification (germline): Uncertain significance (1 of 4 stars; one submission).

Submission:

GeneDx
Classification: Uncertain significance. Last evaluated: 2023-04-19. Review status: criteria provided, single submitter. Criteria: GeneDx Variant Classification Process June 2021. Collection method: clinical testing. Allele origin: germline. Affected: yes.
Comment: In silico analysis supports that this missense variant has a deleterious effect on protein structure/function; Has not been previously published as pathogenic or benign to our knowledge; Variants in candidate genes are classified as variants of uncertain significance in accordance with ACMG guidelines (Richards et al., 2015)

NM_014370.4(SRPK3):c.1288C>T (p.Arg430Trp)

Gene: SRPK3 (SRSF protein kinase 3; plus strand). Cytogenetic location: Xq28.
Variant type: single nucleotide variant.
Coding change: c.1288C>T on transcript NM_014370.4 (MANE Select); coding-DNA position 1288, C replaced by T.
Protein change: p.Arg430Trp; replaces arginine 430 with tryptophan.
Molecular consequence: missense variant.
Genome position (GRCh38, 1-based): chrX:153,784,789, C>T. VCF-style: chrX-153784789-C-T. GRCh37 (hg19) VCF-style: chrX-153050244-C-T.
Other names: c.1285C>T, p.Arg429Trp (NM_001170760.2); c.1186C>T, p.Arg396Trp (NM_001170761.2); short protein forms R396W, R429W, R430W.
Identifiers: ClinVar variation 3600674 (VCV003600674.1).
Genomic context (GRCh38, chrX:153,784,789, plus strand): 5'-CAGGGCTCCCCTTGCTTCCAGCACAAGCACTTCACGGAAGACATCCAGACTCGGCAGTAC[C>T]GGGCCGTCGAGGTGCTGATCGGCGCCGAATACGGCCCCCCGGCAGACATCTGGAGCACAG-3'
Protein context (NP_055185.2, residues 420-440): FTEDIQTRQY[Arg430Trp]AVEVLIGAEY